The following is an entry in ClinVar:

ClinVar aggregate classification (germline): Uncertain significance (1 of 4 stars; one submission).

gnomAD v4.1: 2 of 1,614,116 alleles (0.00012%); highest among the groups gnomAD compares: Non-Finnish European, 0.00017%; no homozygotes.

Submission:

Labcorp Genetics (formerly Invitae), Labcorp
Classification: Uncertain significance. Last evaluated: 2024-10-22. Review status: criteria provided, single submitter. Criteria: Invitae Variant Classification Sherloc (09022015). Collection method: clinical testing. Allele origin: germline.
Comment: This sequence change replaces asparagine, which is neutral and polar, with lysine, which is basic and polar, at codon 589 of the COMP protein (p.Asn589Lys). This variant is not present in population databases (gnomAD no frequency). This variant has not been reported in the literature in individuals affected with COMP-related conditions. Invitae Evidence Modeling of protein sequence and biophysical properties (such as structural, functional, and spatial information, amino acid conservation, physicochemical variation, residue mobility, and thermodynamic stability) indicates that this missense variant is not expected to disrupt COMP protein function with a negative predictive value of 80%. In summary, the available evidence is currently insufficient to determine the role of this variant in disease. Therefore, it has been classified as a Variant of Uncertain Significance.

NM_000095.3(COMP):c.1767C>A (p.Asn589Lys)

Gene: COMP (cartilage oligomeric matrix protein; minus strand). Cytogenetic location: 19p13.11.
Variant type: single nucleotide variant.
Coding change: c.1767C>A on transcript NM_000095.3 (MANE Select); coding-DNA position 1767, C replaced by A.
Protein change: p.Asn589Lys; replaces asparagine 589 with lysine.
Molecular consequence: missense variant.
Genome position (GRCh38, 1-based): chr19:18,785,043, G>T on the plus strand (C>A on the coding strand, the complement: COMP is on the minus strand). VCF-style: chr19-18785043-G-T. GRCh37 (hg19) VCF-style: chr19-18895853-G-T.
Other names: short protein forms N589K.
Identifiers: ClinVar variation 3615207 (VCV003615207.2).